The following is an entry in ClinVar:

NM_001367624.2(ZNF469):c.7974T>C (p.Asp2658=)

Gene: ZNF469 (zinc finger protein 469; plus strand). Cytogenetic location: 16q24.2.
Variant type: single nucleotide variant.
Coding change: c.7974T>C on transcript NM_001367624.2 (MANE Select); coding-DNA position 7974, T replaced by C.
Protein change: p.Asp2658=; no amino-acid change (aspartic acid 2658 retained).
Molecular consequence: synonymous variant.
Genome position (GRCh38, 1-based): chr16:88,435,444, T>C. VCF-style: chr16-88435444-T-C. GRCh37 (hg19) VCF-style: chr16-88501852-T-C.
Other names: NM_001127464.1:c.7890T>C; p.Asp2658=.
Identifiers: ClinVar variation 1254410 (VCV001254410.14), dbSNP rs750884042, ClinGen allele CA286383308.
Genomic context (GRCh38, chr16:88,435,444, plus strand): 5'-GAGAGGGAGAAGGCTCCGGGAGGAGAGCATTCTTCCAGTCTCTGCTGATGTGATTTCAGA[T>C]GGGCGCGGCTCCAGACCATCCCCTGCAATGGCCAGTTACGCAGCCTCTCCGAGCCACTGC-3'
Protein context (NP_001354553.1, residues 2648-2668): ILPVSADVIS[Asp2658=]GRGSRPSPAM

ClinVar aggregate classification (germline): Likely benign. Review status: criteria provided, multiple submitters, no conflicts (2 of 4 stars). 5 submissions from 5 submitters: Likely benign (5). Last evaluated 2026-01-08.

Conditions:
Cardiovascular phenotype. Identifiers: MedGen CN230736.

Allele frequency attached by ClinVar (database versions not stated): gnomAD 0.00006; gnomAD exomes 0.00007 and 0.00014; TOPMed 0.00007.
gnomAD v4.1: 205 of 1,549,846 alleles (0.013%); highest among the groups gnomAD compares: Non-Finnish European, 0.017%; no homozygotes.

Submissions (5):

Labcorp Genetics (formerly Invitae), Labcorp
Classification: Likely benign. Last evaluated: 2026-01-08. Review status: criteria provided, single submitter. Criteria: Invitae Variant Classification Sherloc (09022015). Collection method: clinical testing. Allele origin: germline.

Women's Health and Genetics/Laboratory Corporation of America, LabCorp
Classification: Likely benign. Last evaluated: 2025-07-22. Review status: criteria provided, single submitter. Criteria: LabCorp Variant Classification Summary - May 2015. Collection method: clinical testing. Allele origin: germline.

Mayo Clinic Laboratories, Mayo Clinic
Classification: Likely benign. Last evaluated: 2024-10-28. Review status: criteria provided, single submitter. Criteria: ACMG Guidelines, 2015. Collection method: clinical testing. Allele origin: germline. Observed: 1 variant allele.
Comment: BP4, BP7

GeneDx
Classification: Likely benign. Last evaluated: 2020-11-24. Review status: criteria provided, single submitter. Criteria: GeneDx Variant Classification Process June 2021. Collection method: clinical testing. Allele origin: germline. Affected: yes.

Ambry Genetics
Classification: Likely benign for Cardiovascular phenotype. Last evaluated: 2020-02-12. Review status: criteria provided, single submitter. Criteria: Ambry Variant Classification Scheme 2023. Collection method: clinical testing. Allele origin: germline.